The following is an entry in ClinVar:

ClinVar aggregate classification (germline): Likely benign (1 of 4 stars; one submission).

Submissions (2):

GeneDx
Classification: Likely benign. Last evaluated: 2015-12-07. Review status: criteria provided, single submitter. Criteria: GeneDx Variant Classification (06012015). Collection method: clinical testing. Allele origin: germline. Affected: yes.
Comment: This variant is considered likely benign or benign based on one or more of the following criteria: it is a conservative change, it occurs at a poorly conserved position in the protein, it is predicted to be benign by multiple in silico algorithms, and/or has population frequency not consistent with disease.

Roden Lab, Vanderbilt University Medical Center
No classification provided (evidence only). Condition: Long QT syndrome 5. Review status: no classification provided. Collection method: in vitro. Allele origin: not applicable. Functional consequence: Effect on ion channel function. Not counted in ClinVar's aggregate classification.
ClinVar note: "not provided" was previously submitted as the classification for the variant. However, the classification appeared to be based only on an observation of functional data so it was converted to no classification on 2025-07-30.

NM_000219.6(KCNE1):c.189G>A (p.Leu63=)

Gene: KCNE1 (potassium voltage-gated channel subfamily E regulatory subunit 1; minus strand). Cytogenetic location: 21q22.12.
Variant type: single nucleotide variant.
Coding change: c.189G>A on transcript NM_000219.6 (MANE Select); coding-DNA position 189, G replaced by A.
Protein change: p.Leu63=; no amino-acid change (leucine 63 retained).
Molecular consequence: synonymous variant.
Genome position (GRCh38, 1-based): chr21:34,449,446, C>T on the plus strand (G>A on the coding strand, the complement: KCNE1 is on the minus strand). VCF-style: chr21-34449446-C-T. GRCh37 (hg19) VCF-style: chr21-35821744-C-T.
Other names: c.189G>A, p.Leu63= (NM_001127668.4, NM_001127669.4, NM_001127670.4 and 4 more transcripts).
Identifiers: ClinVar variation 382011 (VCV000382011.3), dbSNP rs1057521237, ClinGen allele CA16608489.